The following is an entry in ClinVar:

ClinVar aggregate classification (germline): Uncertain significance (1 of 4 stars; one submission).

Submission:

Dasa
Classification: Uncertain significance. Last evaluated: 2025-11-03. Review status: criteria provided, single submitter. Criteria: DASA Assertion Criteria. Collection method: clinical testing. Allele origin: germline.
Comment: NM_001197104.2(KMT2A):c.4841C>A (p.Ser1614Tyr) is a missense variant that results in the substitution of serine with tyrosine. This variant is absent from population databases. Computational prediction algorithms are consistent with a deleterious effect. The currently available literature and clinical evidence are not sufficient to establish a definitive association between this variant and the reported condition. Therefore, this variant is classified as a variant of uncertain significance.

NM_001197104.2(KMT2A):c.4841C>A (p.Ser1614Tyr)

Gene: KMT2A (lysine methyltransferase 2A; plus strand). Cytogenetic location: 11q23.3.
Variant type: single nucleotide variant.
Coding change: c.4841C>A on transcript NM_001197104.2 (MANE Select); coding-DNA position 4841, C replaced by A.
Protein change: p.Ser1614Tyr; replaces serine 1614 with tyrosine.
Molecular consequence: missense variant.
Genome position (GRCh38, 1-based): chr11:118,491,765, C>A. VCF-style: chr11-118491765-C-A. GRCh37 (hg19) VCF-style: chr11-118362480-C-A.
Other names: c.4931C>A, p.Ser1644Tyr (NM_001412597.1); c.4832C>A, p.Ser1611Tyr (NM_005933.4); short protein forms S1611Y, S1614Y, S1644Y.
Identifiers: ClinVar variation 5020809 (VCV005020809.1).